The following is an entry in ClinVar:

ClinVar aggregate classification (germline): Uncertain significance (1 of 4 stars; one submission).

Conditions:
Hereditary cancer-predisposing syndrome. Also called: Tumor predisposition; Neoplastic Syndromes, Hereditary; Hereditary Cancer Syndrome; Hereditary neoplastic syndrome. Identifiers: Orphanet 140162, MedGen C0027672, MeSH D009386, MONDO:0015356.

gnomAD v4.1: 1 of 1,613,470 alleles (0.000062%); no homozygotes.

Submission:

Ambry Genetics
Classification: Uncertain significance for Hereditary cancer-predisposing syndrome. Last evaluated: 2026-02-13. Review status: criteria provided, single submitter. Criteria: Ambry Variant Classification Scheme 2023. Collection method: clinical testing. Allele origin: germline.
Comment: The c.2887+4A>C intronic variant results from an A to C substitution 4 nucleotides after coding exon 17 in the PTCH1 gene. This nucleotide position is well conserved in available vertebrate species. In silico splice site analysis predicts that this alteration will not have any significant effect on splicing. Based on the available evidence, the clinical significance of this variant remains unclear.

NM_000264.5(PTCH1):c.2887+4A>C

Gene: PTCH1 (patched 1; minus strand). Cytogenetic location: 9q22.32.
Variant type: single nucleotide variant.
Coding change: c.2887+4A>C on transcript NM_000264.5 (MANE Select); 4 bases into the intron after coding-DNA position 2887, A replaced by C.
Molecular consequence: intron variant.
Genome position (GRCh38, 1-based): chr9:95,459,596, T>G on the plus strand (A>C on the coding strand, the complement: PTCH1 is on the minus strand). VCF-style: chr9-95459596-T-G. GRCh37 (hg19) VCF-style: chr9-98221878-T-G.
Other names: c.2884+4A>C (NM_001083603.3); c.2689+4A>C (NM_001083602.3); c.2731+4A>C (NM_001354918.2); c.2434+4A>C (NM_001083605.3, NM_001083604.3, NM_001083606.3 and 1 more transcripts).
Identifiers: ClinVar variation 821935 (VCV000821935.5), dbSNP rs1588544193, ClinGen allele CA915947095.